The following is an entry in ClinVar:

NM_003907.3(EIF2B5):c.808G>A (p.Asp270Asn)

Gene: EIF2B5 (eukaryotic translation initiation factor 2B subunit epsilon; plus strand). Cytogenetic location: 3q27.1.
Variant type: single nucleotide variant.
Coding change: c.808G>A on transcript NM_003907.3 (MANE Select); coding-DNA position 808, G replaced by A.
Protein change: p.Asp270Asn; replaces aspartic acid 270 with asparagine.
Molecular consequence: missense variant.
Genome position (GRCh38, 1-based): chr3:184,140,122, G>A. VCF-style: chr3-184140122-G-A. GRCh37 (hg19) VCF-style: chr3-183857910-G-A.
Other names: short protein forms D270N.
Identifiers: ClinVar variation 4687275 (VCV004687275.1).
Genomic context (GRCh38, chr3:184,140,122, plus strand): 5'-TCCACTTCCCTTCCACAGGTGGCACAACTCTTTACAGACAACTTTGACTACCAAACTCGA[G>A]ATGACTTTGTGCGAGGTCTCTTAGTGAATGAGGAGGTGAGAAAAGTCTTCCAATGCCTCT-3'
Protein context (NP_003898.2, residues 260-280): FTDNFDYQTR[Asp270Asn]DFVRGLLVNE

ClinVar aggregate classification (germline): Uncertain significance (1 of 4 stars; one submission).

gnomAD v4.1: 1 of 1,613,880 alleles (0.000062%); highest among the groups gnomAD compares: Non-Finnish European, 0.000085%; no homozygotes.

Submission:

Women's Health and Genetics/Laboratory Corporation of America, LabCorp
Classification: Uncertain significance. Last evaluated: 2025-10-30. Review status: criteria provided, single submitter. Criteria: LabCorp Variant Classification Summary - May 2015. Collection method: clinical testing. Allele origin: germline.
Comment: Variant summary: EIF2B5 c.808G>A (p.Asp270Asn) results in a conservative amino acid change in the encoded protein sequence. Algorithms developed to predict the effect of missense changes on protein structure and function are either unavailable or do not agree on the potential impact of this missense change. The variant allele was found at a frequency of 4e-06 in 251456 control chromosomes. The available data on variant occurrences in the general population are insufficient to allow any conclusion about variant significance. To our knowledge, no occurrence of c.808G>A in individuals affected with EIF2B5-related conditions and no experimental evidence demonstrating its impact on protein function have been reported. No submitters have cited clinical-significance assessments for this variant to ClinVar. Based on the evidence outlined above, the variant was classified as uncertain significance.